The following is an entry in ClinVar:

NM_004928.3(CFAP410):c.232G>C (p.Ala78Pro)

Gene: CFAP410 (cilia and flagella associated protein 410; minus strand). Cytogenetic location: 21q22.3.
Variant type: single nucleotide variant.
Coding change: c.232G>C on transcript NM_004928.3 (MANE Select); coding-DNA position 232, G replaced by C.
Protein change: p.Ala78Pro; replaces alanine 78 with proline.
Molecular consequence: missense variant.
Genome position (GRCh38, 1-based): chr21:44,333,174, C>G on the plus strand (G>C on the coding strand, the complement: CFAP410 is on the minus strand). VCF-style: chr21-44333174-C-G. GRCh37 (hg19) VCF-style: chr21-45753057-C-G.
Other names: c.232G>C, p.Ala78Pro (NM_001271440.2, NM_001271441.2); c.109G>C, p.Ala37Pro (NM_001271442.1); short protein forms A37P, A78P.
Identifiers: ClinVar variation 1052379 (VCV001052379.9), dbSNP rs2146069079, ClinGen allele CA410457112.

ClinVar aggregate classification (germline): Uncertain significance (1 of 4 stars; one submission).

Submission:

Labcorp Genetics (formerly Invitae), Labcorp
Classification: Uncertain significance. Last evaluated: 2020-08-31. Review status: criteria provided, single submitter. Criteria: Invitae Variant Classification Sherloc (09022015). Collection method: clinical testing. Allele origin: germline.
Comment: This variant is not present in population databases (ExAC no frequency). This variant has not been reported in the literature in individuals with CFAP410-related conditions. Algorithms developed to predict the effect of missense changes on protein structure and function are either unavailable or do not agree on the potential impact of this missense change (SIFT: "Tolerated"; PolyPhen-2: "Possibly Damaging"; Align-GVGD: "Class C0"). In summary, the available evidence is currently insufficient to determine the role of this variant in disease. Therefore, it has been classified as a Variant of Uncertain Significance. This sequence change replaces alanine with proline at codon 78 of the CFAP410 protein (p.Ala78Pro). The alanine residue is weakly conserved and there is a small physicochemical difference between alanine and proline.